The following is an entry in ClinVar:

ClinVar aggregate classification (germline): Uncertain significance. Review status: criteria provided, multiple submitters, no conflicts (2 of 4 stars). 3 submissions from 3 submitters: Uncertain significance (3). Last evaluated 2023-05-09.

Conditions:
Dyskeratosis congenita, autosomal dominant 2. Identifiers: MedGen C3151443, MONDO:0013521, OMIM 613989.
Idiopathic Pulmonary Fibrosis. Also called: Idiopathic fibrosing alveolitis, chronic form; idiopathic fibrosing alveolitis. Identifiers: Orphanet 2032, MedGen C1800706, MeSH D054990, MONDO:0800504.
Dyskeratosis congenita. Identifiers: Orphanet 1775, MedGen C0265965, MONDO:0015780.

Allele frequency attached by ClinVar (database versions not stated): gnomAD 0.00001.
gnomAD v4.1: 2 of 1,582,812 alleles (0.00013%); highest among the groups gnomAD compares: African/African-American, 0.0027%; no homozygotes.

Submissions (3):

GeneDx
Classification: Uncertain significance. Last evaluated: 2023-05-09. Review status: criteria provided, single submitter. Criteria: GeneDx Variant Classification Process June 2021. Collection method: clinical testing. Allele origin: germline. Affected: yes.
Comment: Not observed at significant frequency in large population cohorts (gnomAD); In silico analysis supports that this missense variant does not alter protein structure/function; Has not been previously published as pathogenic or benign to our knowledge

Ambry Genetics
Classification: Uncertain significance for Dyskeratosis congenita. Last evaluated: 2023-03-03. Review status: criteria provided, single submitter. Criteria: Ambry Variant Classification Scheme 2023. Collection method: clinical testing. Allele origin: germline.
Comment: The p.K236N variant (also known as c.708G>C), located in coding exon 2 of the TERT gene, results from a G to C substitution at nucleotide position 708. The lysine at codon 236 is replaced by asparagine, an amino acid with similar properties. This amino acid position is conserved. In addition, the in silico prediction for this alteration is inconclusive. Since supporting evidence is limited at this time, the clinical significance of this alteration remains unclear.

Labcorp Genetics (formerly Invitae), Labcorp
Classification: Uncertain significance for Dyskeratosis congenita, autosomal dominant 2; Idiopathic Pulmonary Fibrosis. Last evaluated: 2021-08-07. Review status: criteria provided, single submitter. Criteria: Invitae Variant Classification Sherloc (09022015). Collection method: clinical testing. Allele origin: germline.
Comment: This sequence change replaces lysine with asparagine at codon 236 of the TERT protein (p.Lys236Asn). The lysine residue is moderately conserved and there is a moderate physicochemical difference between lysine and asparagine. This variant is not present in population databases (ExAC no frequency). This variant has not been reported in the literature in individuals affected with TERT-related conditions. Advanced modeling of protein sequence and biophysical properties (such as structural, functional, and spatial information, amino acid conservation, physicochemical variation, residue mobility, and thermodynamic stability) performed at Invitae indicates that this missense variant is expected to disrupt TERT protein function. In summary, the available evidence is currently insufficient to determine the role of this variant in disease. Therefore, it has been classified as a Variant of Uncertain Significance.

NM_198253.3(TERT):c.708G>C (p.Lys236Asn)

Gene: TERT (telomerase reverse transcriptase; minus strand). Cytogenetic location: 5p15.33.
Variant type: single nucleotide variant.
Coding change: c.708G>C on transcript NM_198253.3 (MANE Select); coding-DNA position 708, G replaced by C.
Protein change: p.Lys236Asn; replaces lysine 236 with asparagine.
Molecular consequence: missense variant. On other transcripts: non-coding transcript variant (2).
Genome position (GRCh38, 1-based): chr5:1,294,178, C>G on the plus strand (G>C on the coding strand, the complement: TERT is on the minus strand). VCF-style: chr5-1294178-C-G. GRCh37 (hg19) VCF-style: chr5-1294293-C-G.
Other names: c.708G>C, p.Lys236Asn (NM_001193376.3); c.708G>C (NM_198253.2); short protein forms K236N.
Identifiers: ClinVar variation 1476021 (VCV001476021.9), dbSNP rs1250720718, ClinGen allele CA359056983.